The following is an entry in ClinVar:

ClinVar aggregate classification (germline): Uncertain significance (1 of 4 stars; one submission).

gnomAD v4.1: 16 of 1,613,906 alleles (0.00099%); highest among the groups gnomAD compares: African/African-American, 0.0093%; no homozygotes.

Submission:

GeneDx
Classification: Uncertain significance. Last evaluated: 2026-02-24. Review status: criteria provided, single submitter. Criteria: GeneDx Variant Classification Process June 2021. Collection method: clinical testing. Allele origin: germline.
Comment: In silico analysis supports that this missense variant has a deleterious effect on protein structure/function; Has not been previously published as pathogenic or benign to our knowledge

NM_133444.3(ZNF526):c.323T>C (p.Phe108Ser)

Gene: ZNF526 (zinc finger protein 526; plus strand). Cytogenetic location: 19q13.2.
Variant type: single nucleotide variant.
Coding change: c.323T>C on transcript NM_133444.3 (MANE Select); coding-DNA position 323, T replaced by C.
Protein change: p.Phe108Ser; replaces phenylalanine 108 with serine.
Molecular consequence: missense variant.
Genome position (GRCh38, 1-based): chr19:42,224,726, T>C. VCF-style: chr19-42224726-T-C. GRCh37 (hg19) VCF-style: chr19-42728878-T-C.
Other names: c.323T>C, p.Phe108Ser (NM_001314033.3); short protein forms F108S.
Identifiers: ClinVar variation 5010115 (VCV005010115.1).